The following is an entry in ClinVar:

ClinVar aggregate classification (germline): Uncertain significance. Review status: criteria provided, multiple submitters, no conflicts (2 of 4 stars). 3 submissions from 3 submitters: Uncertain significance (3). Last evaluated 2025-11-04.

Conditions:
Werner syndrome (WRN). Identifiers: Orphanet 902, MedGen C0043119, MONDO:0010196, OMIM 277700.
Inborn genetic diseases. Identifiers: MedGen C0950123, MeSH D030342.

Allele frequency attached by ClinVar (database versions not stated): gnomAD 0.00001; ExAC 0.00002; gnomAD exomes 0.00002 and 0.00003; TOPMed 0.00002.

Submissions (3):

Labcorp Genetics (formerly Invitae), Labcorp
Classification: Uncertain significance for Werner syndrome. Last evaluated: 2025-11-04. Review status: criteria provided, single submitter. Criteria: Invitae Variant Classification Sherloc (09022015). Collection method: clinical testing. Allele origin: germline.
Comment: This sequence change replaces threonine, which is neutral and polar, with methionine, which is neutral and non-polar, at codon 486 of the WRN protein (p.Thr486Met). This variant is present in population databases (rs761328537, gnomAD 0.01%). This variant has not been reported in the literature in individuals affected with WRN-related conditions. ClinVar contains an entry for this variant (Variation ID: 528152). An algorithm developed to predict the effect of missense changes on protein structure and function outputs the following: PolyPhen-2: "Benign". The methionine amino acid residue is found in multiple mammalian species, which suggests that this missense change does not adversely affect protein function. In summary, the available evidence is currently insufficient to determine the role of this variant in disease. Therefore, it has been classified as a Variant of Uncertain Significance.

Fulgent Genetics
Classification: Uncertain significance for Werner syndrome. Last evaluated: 2024-06-22. Review status: criteria provided, single submitter. Criteria: ACMG Guidelines, 2015. Collection method: clinical testing. Allele origin: germline.

Ambry Genetics
Classification: Uncertain significance for Inborn genetic diseases. Last evaluated: 2021-08-23. Review status: criteria provided, single submitter. Criteria: Ambry Variant Classification Scheme 2023. Collection method: clinical testing. Allele origin: germline.

NM_000553.6(WRN):c.1457C>T (p.Thr486Met)

Gene: WRN (WRN RecQ like helicase; plus strand). Cytogenetic location: 8p12.
Variant type: single nucleotide variant.
Coding change: c.1457C>T on transcript NM_000553.6 (MANE Select); coding-DNA position 1457, C replaced by T.
Protein change: p.Thr486Met; replaces threonine 486 with methionine.
Molecular consequence: missense variant.
Genome position (GRCh38, 1-based): chr8:31,087,801, C>T. VCF-style: chr8-31087801-C-T. GRCh37 (hg19) VCF-style: chr8-30945317-C-T.
Other names: short protein forms T486M.
Identifiers: ClinVar variation 528152 (VCV000528152.11), dbSNP rs761328537, ClinGen allele CA4704378.